The following is an entry in ClinVar:

ClinVar aggregate classification (germline): Uncertain significance (1 of 4 stars; one submission).

Submission:

Labcorp Genetics (formerly Invitae), Labcorp
Classification: Uncertain significance. Last evaluated: 2025-01-29. Review status: criteria provided, single submitter. Criteria: Invitae Variant Classification Sherloc (09022015). Collection method: clinical testing. Allele origin: germline.
Comment: This sequence change replaces alanine, which is neutral and non-polar, with aspartic acid, which is acidic and polar, at codon 538 of the ALPK3 protein (p.Ala538Asp). This variant is not present in population databases (gnomAD no frequency). This variant has not been reported in the literature in individuals affected with ALPK3-related conditions. An algorithm developed to predict the effect of missense changes on protein structure and function outputs the following: PolyPhen-2: "Benign". The aspartic acid amino acid residue is found in multiple mammalian species, which suggests that this missense change does not adversely affect protein function. In summary, the available evidence is currently insufficient to determine the role of this variant in disease. Therefore, it has been classified as a Variant of Uncertain Significance.

NM_020778.5(ALPK3):c.1007C>A (p.Ala336Asp)

Gene: ALPK3 (alpha kinase 3; plus strand). Cytogenetic location: 15q25.3.
Variant type: single nucleotide variant.
Coding change: c.1007C>A on transcript NM_020778.5 (MANE Select); coding-DNA position 1007, C replaced by A.
Protein change: p.Ala336Asp; replaces alanine 336 with aspartic acid.
Molecular consequence: missense variant.
Genome position (GRCh38, 1-based): chr15:84,840,286, C>A. VCF-style: chr15-84840286-C-A. GRCh37 (hg19) VCF-style: chr15-85383517-C-A.
Other names: short protein forms A336D.
Identifiers: ClinVar variation 3729302 (VCV003729302.2).